The following is an entry in ClinVar:

NM_173660.5(DOK7):c.641C>T (p.Pro214Leu)

Gene: DOK7 (docking protein 7; plus strand). Cytogenetic location: 4p16.3.
Variant type: single nucleotide variant.
Coding change: c.641C>T on transcript NM_173660.5 (MANE Select); coding-DNA position 641, C replaced by T.
Protein change: p.Pro214Leu; replaces proline 214 with leucine.
Molecular consequence: missense variant. On other transcripts: synonymous variant (1), 5 prime UTR variant (1).
Genome position (GRCh38, 1-based): chr4:3,485,647, C>T. VCF-style: chr4-3485647-C-T. GRCh37 (hg19) VCF-style: chr4-3487374-C-T.
Other names: p.Pro214Leu; c.630C>T, p.Ala210= (NM_001164673.2); c.-290C>T (NM_001256896.2); c.641C>T, p.Pro214Leu (NM_001301071.2); c.209C>T, p.Pro70Leu (NM_001363811.2); short protein forms P214L, P70L.
Identifiers: ClinVar variation 706049 (VCV000706049.20), dbSNP rs147760280, ClinGen allele CA2829097.

ClinVar aggregate classification (germline): Conflicting classifications of pathogenicity. Review status: criteria provided, conflicting classifications (1 of 4 stars). 6 submissions from 6 submitters: Uncertain significance (4); Likely benign (2). Last evaluated 2026-10-16.

Conditions:
Inborn genetic diseases. Identifiers: MedGen C0950123, MeSH D030342.
DOK7-related disorder. Also called: DOK7-related condition.
Fetal akinesia deformation sequence 1 (FADS1). Also called: Fetal akinesia sequence; Pena-Shokeir syndrome type I. Identifiers: Orphanet 994, MedGen C1276035, MONDO:0100101, OMIM 208150, HP:0001989.
Congenital myasthenic syndrome 10. Also called: Myasthenia, limb-girdle, familial. Identifiers: Orphanet 590, MedGen C1850792, MONDO:0009690, OMIM 254300.

Allele frequency attached by ClinVar (database versions not stated): 1000 Genomes Project 0.00080; 1000 Genomes Project 30x 0.00078; TOPMed 0.00084; ESP Exome Variant Server 0.00092; gnomAD 0.00102.
gnomAD v4.1: 288 of 1,598,910 alleles (0.018%); highest among the groups gnomAD compares: African/African-American, 0.31%; 1 homozygote.

Submissions (6):

GeneDx
Classification: Uncertain significance. Last evaluated: 2026-10-16. Review status: criteria provided, single submitter. Criteria: GeneDx Variant Classification Process June 2021. Collection method: clinical testing. Allele origin: germline.
Comment: In silico analysis supports that this missense variant has a deleterious effect on protein structure/function; Has not been previously published as pathogenic or benign to our knowledge

PreventionGenetics, part of Exact Sciences
Classification: Likely benign for DOK7-related condition. Last evaluated: 2026-01-13. Review status: criteria provided, single submitter. Criteria: ACMG Guidelines, 2015. Collection method: clinical testing. Allele origin: germline.
Comment: This variant is classified as likely benign based on ACMG/AMP sequence variant interpretation guidelines (Richards et al. 2015 PMID: 25741868, with internal and published modifications).

Labcorp Genetics (formerly Invitae), Labcorp
Classification: Likely benign for Congenital myasthenic syndrome 10; Fetal akinesia deformation sequence 1. Last evaluated: 2025-12-30. Review status: criteria provided, single submitter. Criteria: Invitae Variant Classification Sherloc (09022015). Collection method: clinical testing. Allele origin: germline.

Mayo Clinic Laboratories, Mayo Clinic
Classification: Uncertain significance. Last evaluated: 2025-08-01. Review status: criteria provided, single submitter. Criteria: ACMG Guidelines, 2015. Collection method: clinical testing. Allele origin: germline. Observed: 1 variant allele.
Comment: BS1

Ambry Genetics
Classification: Uncertain significance for Inborn genetic diseases. Last evaluated: 2024-10-24. Review status: criteria provided, single submitter. Criteria: Ambry Variant Classification Scheme 2023. Collection method: clinical testing. Allele origin: germline.

Revvity Omics, Revvity
Classification: Uncertain significance. Last evaluated: 2019-04-05. Review status: criteria provided, single submitter. Criteria: ACMG Guidelines, 2015. Collection method: clinical testing. Allele origin: germline.